The following is an entry in ClinVar:

NM_018993.4(RIN2):c.1219G>T (p.Asp407Tyr)

Gene: RIN2 (Ras and Rab interactor 2; plus strand). Cytogenetic location: 20p11.23.
Variant type: single nucleotide variant.
Coding change: c.1219G>T on transcript NM_018993.4 (MANE Select); coding-DNA position 1219, G replaced by T.
Protein change: p.Asp407Tyr; replaces aspartic acid 407 with tyrosine.
Molecular consequence: missense variant.
Genome position (GRCh38, 1-based): chr20:19,975,244, G>T. VCF-style: chr20-19975244-G-T. GRCh37 (hg19) VCF-style: chr20-19955888-G-T.
Other names: c.1366G>T, p.Asp456Tyr (NM_001242581.2); c.601G>T, p.Asp201Tyr (NM_001378238.1); short protein forms D201Y, D407Y, D456Y.
Identifiers: ClinVar variation 2442456 (VCV002442456.1), dbSNP rs763964401, ClinGen allele CA9780038.

ClinVar aggregate classification (germline): Uncertain significance (1 of 4 stars; one submission).

Allele frequency attached by ClinVar (database versions not stated): ExAC 0.00002; gnomAD 0.00003; TOPMed 0.00008.

Submission:

GeneDx
Classification: Uncertain significance. Last evaluated: 2023-02-27. Review status: criteria provided, single submitter. Criteria: GeneDx Variant Classification Process June 2021. Collection method: clinical testing. Allele origin: germline. Affected: yes.
Comment: Has not been previously published as pathogenic or benign to our knowledge; In silico analysis supports that this missense variant does not alter protein structure/function